The following is an entry in ClinVar:

NM_000520.6(HEXA):c.228del (p.Ser77fs)

Gene: HEXA (hexosaminidase subunit alpha; minus strand). Cytogenetic location: 15q23.
Variant type: Deletion.
Coding change: c.228del on transcript NM_000520.6 (MANE Select); coding-DNA position 228, one base deleted (G; older notation c.228delG).
Protein change: p.Ser77fs; shifts the reading frame from serine 77.
Molecular consequence: frameshift variant. On other transcripts: non-coding transcript variant (1).
Genome position (GRCh38, 1-based): chr15:72,375,745, C deleted on the plus strand (G on the coding strand, the reverse complement: HEXA is on the minus strand); the first of 3 consecutive C bases (chr15:72,375,745-72,375,747); deleting any one gives the same sequence. VCF-style (leftmost placement, unchanged base first): chr15-72375744-AC-A. GRCh37 (hg19) VCF-style: chr15-72668085-AC-A.
Other names: c.228del, p.Ser77fs (NM_001318825.2); short protein forms S77fs.
Identifiers: ClinVar variation 2736740 (VCV002736740.3), dbSNP rs2542581249, ClinGen allele CA2629343366.

ClinVar aggregate classification (germline): Pathogenic (1 of 4 stars; one submission).

Conditions:
Tay-Sachs disease (TSD). Also called: HEXA Disorders; HEXA DEFICIENCY; GM2 gangliosidosis, type 1; Hexosaminidase alpha-subunit deficiency (variant B); Sphingolipidosis, Tay-Sachs; Hexosaminidase A Deficiency. Identifiers: Orphanet 845, MedGen C0039373, MONDO:0010100, OMIM 272800.

Submission:

Labcorp Genetics (formerly Invitae), Labcorp
Classification: Pathogenic for Tay-Sachs disease. Last evaluated: 2023-07-07. Review status: criteria provided, single submitter. Criteria: Invitae Variant Classification Sherloc (09022015). Collection method: clinical testing. Allele origin: germline.
Comment: This variant has not been reported in the literature in individuals affected with HEXA-related conditions. This sequence change creates a premature translational stop signal (p.Ser77Leufs*23) in the HEXA gene. It is expected to result in an absent or disrupted protein product. Loss-of-function variants in HEXA are known to be pathogenic (PMID: 1833974, 8490625). This variant is not present in population databases (gnomAD no frequency). For these reasons, this variant has been classified as Pathogenic.

Literature cited by the submitters: PubMed 1833974; PubMed 8490625.